The following is an entry in ClinVar:

ClinVar aggregate classification (germline): Uncertain significance. Review status: criteria provided, multiple submitters, no conflicts (2 of 4 stars). 3 submissions from 3 submitters: Uncertain significance (3). Last evaluated 2024-06-18.

Conditions:
Developmental and epileptic encephalopathy, 14 (DEE14). Also called: Early infantile epileptic encephalopathy 14. Identifiers: Orphanet 293181, MedGen C3554195, MONDO:0013989, OMIM 614959.
Autosomal dominant nocturnal frontal lobe epilepsy 5. Also called: KCNT1-Related Epilepsy; CILIARY DYSKINESIA, PRIMARY, 28, WITHOUT SITUS INVERSUS; CILIARY DYSKINESIA, PRIMARY, 28, WITH SITUS INVERSUS; Epilepsy, nocturnal frontal lobe, 5. Identifiers: Orphanet 98784, MedGen C3554306, MONDO:0014002, OMIM 615005.

Allele frequency attached by ClinVar (database versions not stated): TOPMed below 0.00001; gnomAD 0.00001; gnomAD exomes 0.00001; ExAC 0.00002.
gnomAD v4.1: 29 of 1,611,824 alleles (0.0018%); highest among the groups gnomAD compares: East Asian, 0.0022%; no homozygotes.

Submissions (3):

Labcorp Genetics (formerly Invitae), Labcorp
Classification: Uncertain significance for Autosomal dominant nocturnal frontal lobe epilepsy 5; Developmental and epileptic encephalopathy, 14. Last evaluated: 2024-06-18. Review status: criteria provided, single submitter. Criteria: Invitae Variant Classification Sherloc (09022015). Collection method: clinical testing. Allele origin: germline.
Comment: This sequence change replaces arginine, which is basic and polar, with tryptophan, which is neutral and slightly polar, at codon 613 of the KCNT1 protein (p.Arg613Trp). This variant is present in population databases (rs779639843, gnomAD 0.002%). This missense change has been observed in individual(s) with early infantile epileptic encephalopathy (Invitae). ClinVar contains an entry for this variant (Variation ID: 854655). Advanced modeling of protein sequence and biophysical properties (such as structural, functional, and spatial information, amino acid conservation, physicochemical variation, residue mobility, and thermodynamic stability) performed at Invitae indicates that this missense variant is not expected to disrupt KCNT1 protein function with a negative predictive value of 80%. In summary, the available evidence is currently insufficient to determine the role of this variant in disease. Therefore, it has been classified as a Variant of Uncertain Significance.

Blueprint Genetics
Classification: Uncertain significance. Last evaluated: 2022-10-21. Review status: criteria provided, single submitter. Criteria: ACMG Guidelines, 2015. Collection method: clinical testing. Allele origin: germline.

Revvity Omics, Revvity
Classification: Uncertain significance. Last evaluated: 2022-02-07. Review status: criteria provided, single submitter. Criteria: ACMG Guidelines, 2015. Collection method: clinical testing. Allele origin: germline.

NM_020822.3(KCNT1):c.1837C>T (p.Arg613Trp)

Gene: KCNT1 (potassium sodium-activated channel subfamily T member 1; plus strand). Cytogenetic location: 9q34.3.
Variant type: single nucleotide variant.
Coding change: c.1837C>T on transcript NM_020822.3 (MANE Select); coding-DNA position 1837, C replaced by T.
Protein change: p.Arg613Trp; replaces arginine 613 with tryptophan.
Molecular consequence: missense variant.
Genome position (GRCh38, 1-based): chr9:135,770,924, C>T. VCF-style: chr9-135770924-C-T. GRCh37 (hg19) VCF-style: chr9-138662770-C-T.
Other names: c.1702C>T, p.Arg568Trp (NM_001272003.2); short protein forms R568W, R613W.
Identifiers: ClinVar variation 854655 (VCV000854655.13), dbSNP rs779639843, ClinGen allele CA5327095.